The following is an entry in ClinVar:

NM_000334.4(SCN4A):c.1009G>C (p.Asp337His)

Gene: SCN4A (sodium voltage-gated channel alpha subunit 4; minus strand). Cytogenetic location: 17q23.3.
Variant type: single nucleotide variant.
Coding change: c.1009G>C on transcript NM_000334.4 (MANE Select); coding-DNA position 1009, G replaced by C.
Protein change: p.Asp337His; replaces aspartic acid 337 with histidine.
Molecular consequence: missense variant.
Genome position (GRCh38, 1-based): chr17:63,968,050, C>G on the plus strand (G>C on the coding strand, the complement: SCN4A is on the minus strand). VCF-style: chr17-63968050-C-G. GRCh37 (hg19) VCF-style: chr17-62045410-C-G.
Other names: short protein forms D337H.
Identifiers: ClinVar variation 477397 (VCV000477397.9), dbSNP rs776665275, ClinGen allele CA8709977.

ClinVar aggregate classification (germline): Uncertain significance. Review status: criteria provided, multiple submitters, no conflicts (2 of 4 stars). 3 submissions from 3 submitters: Uncertain significance (2). 1 of the submissions does not count toward it. Last evaluated 2025-12-15.

Conditions:
Paramyotonia congenita of Von Eulenburg. Also called: PARALYSIS PERIODICA PARAMYOTONICA; Paramyotonia Congenita; Eulenburg disease; Myotonia congenita intermittens; Von Eulenburg paramyotonia congenita. Identifiers: Orphanet 684, MedGen C0221055, MONDO:0008195, OMIM 168300. Disease mechanism: loss of function.
Hypokalemic periodic paralysis, type 2 (HOKPP2). Identifiers: Orphanet 681, MedGen C2750061, MONDO:0013234, OMIM 613345.
Hypokalemic periodic paralysis, type 1. Also called: Hypokalemic Periodic Paralysis Type 1 (AD); HypoPP. Identifiers: Orphanet 681, MedGen C3714580, MONDO:0042979, OMIM 170400.
Potassium-aggravated myotonia. Also called: MYOTONIA CONGENITA, ACETAZOLAMIDE-RESPONSIVE; MYOTONIA CONGENITA, ATYPICAL; Myotonia congenita, atypical, acetazolamide-responsive; SODIUM CHANNEL MUSCLE DISEASE. Identifiers: Orphanet 612, Orphanet 99734, Orphanet 99735, Orphanet 99736, MedGen C2931826, MONDO:0018959, OMIM 608390.
Congenital myasthenic syndrome 16. Identifiers: Orphanet 590, MedGen C3280112, MONDO:0013620, OMIM 614198.
Hyperkalemic periodic paralysis. Also called: Familial hyperkalemic periodic paralysis; Gamstorp disease. Identifiers: Orphanet 682, MedGen C0238357, MONDO:0008224, OMIM 170500, HP:0007215.
SCN4A-related disorder. Also called: SCN4A-related disorders.

Allele frequency attached by ClinVar (database versions not stated): ExAC 0.00007; gnomAD 0.00002; gnomAD exomes 0.00005 and 0.00007; TOPMed 0.00003.
gnomAD v4.1: 74 of 1,613,826 alleles (0.0046%); highest among the groups gnomAD compares: Admixed American, 0.0083%; no homozygotes.

Submissions (3):

Labcorp Genetics (formerly Invitae), Labcorp
Classification: Uncertain significance for Hyperkalemic periodic paralysis. Last evaluated: 2025-12-15. Review status: criteria provided, single submitter. Criteria: Invitae Variant Classification Sherloc (09022015). Collection method: clinical testing. Allele origin: germline.
Comment: This sequence change replaces aspartic acid, which is acidic and polar, with histidine, which is basic and polar, at codon 337 of the SCN4A protein (p.Asp337His). This variant is present in population databases (rs776665275, gnomAD 0.02%). This variant has not been reported in the literature in individuals affected with SCN4A-related conditions. ClinVar contains an entry for this variant (Variation ID: 477397). Invitae Evidence Modeling of protein sequence and biophysical properties (such as structural, functional, and spatial information, amino acid conservation, physicochemical variation, residue mobility, and thermodynamic stability) has been performed for this missense variant. However, the output from this modeling did not meet the statistical confidence thresholds required to predict the impact of this variant on SCN4A protein function. In summary, the available evidence is currently insufficient to determine the role of this variant in disease. Therefore, it has been classified as a Variant of Uncertain Significance.

Fulgent Genetics
Classification: Uncertain significance for Paramyotonia congenita of Von Eulenburg; Hypokalemic periodic paralysis, type 1; Hyperkalemic periodic paralysis; Potassium-aggravated myotonia; Hypokalemic periodic paralysis, type 2; Congenital myasthenic syndrome 16. Last evaluated: 2021-07-29. Review status: criteria provided, single submitter. Criteria: ACMG Guidelines, 2015. Collection method: clinical testing. Allele origin: unknown.

PreventionGenetics, part of Exact Sciences
Classification: Uncertain significance for SCN4A-related condition. Last evaluated: 2024-07-22. Review status: no assertion criteria provided. Collection method: clinical testing. Allele origin: germline. Not counted in ClinVar's aggregate classification.
Comment: The SCN4A c.1009G>C variant is predicted to result in the amino acid substitution p.Asp337His. To our knowledge, this variant has not been reported in the literature. This variant is reported in 0.020% of alleles in individuals of European (Finnish) descent in gnomAD. At this time, the clinical significance of this variant is uncertain due to the absence of conclusive functional and genetic evidence.